The following is an entry in ClinVar:

ClinVar aggregate classification (germline): Benign. Review status: criteria provided, multiple submitters, no conflicts (2 of 4 stars). 6 submissions from 6 submitters: Benign (4). 2 of the submissions do not count toward it. Last evaluated 2026-02-02.

Conditions:
Muscle AMP deaminase deficiency (MMDD). Also called: Myoadenylate deaminase deficiency, myopathy due to; Adenosine monophosphate deaminase 1 deficiency; AMP deaminase 1 deficiency; Adenosine Monophosphate Deaminase 1; ADENOSINE MONOPHOSPHATE DEAMINASE-1 DEFICIENCY, MYOPATHY DUE TO; AMPD1 DEFICIENCY. Identifiers: Orphanet 45, MedGen C3714933, MONDO:0014220, OMIM 615511.

Allele frequency attached by ClinVar (database versions not stated): gnomAD exomes 0.00699 and 0.02036; gnomAD 0.01045 and 0.01064; ExAC 0.01643; 1000 Genomes Project 0.01657; 1000 Genomes Project 30x 0.01843; TOPMed 0.01874; ESP Exome Variant Server 0.00231.
gnomAD v4.1: 11,802 of 1,610,490 alleles (0.73%); highest among the groups gnomAD compares: Admixed American, 11%; 468 homozygotes.

Submissions (6):

Labcorp Genetics (formerly Invitae), Labcorp
Classification: Benign for Muscle AMP deaminase deficiency. Last evaluated: 2026-02-02. Review status: criteria provided, single submitter. Criteria: Invitae Variant Classification Sherloc (09022015). Collection method: clinical testing. Allele origin: germline.

GeneDx
Classification: Benign. Last evaluated: 2021-06-19. Review status: criteria provided, single submitter. Criteria: GeneDx Variant Classification Process June 2021. Collection method: clinical testing. Allele origin: germline. Affected: yes.

Eurofins Ntd Llc (ga)
Classification: Benign. Last evaluated: 2013-11-05. Review status: criteria provided, single submitter. Criteria: EGL Classification Definitions 2015. Collection method: clinical testing. Allele origin: germline. Observed: 8 variant alleles, 8 heterozygotes.

Breakthrough Genomics
Classification: Benign. Review status: criteria provided, single submitter. Criteria: ACMG Guidelines, 2015. Collection method: not provided. Allele origin: germline. Inheritance: Autosomal recessive inheritance. Affected: yes.

Clinical Genomics Laboratory, Stanford Medicine
Classification: Uncertain significance for Muscle AMP deaminase deficiency. Last evaluated: 2021-01-06. Review status: no assertion criteria provided. Collection method: clinical testing. Allele origin: germline. Inheritance: Autosomal recessive inheritance. Affected: yes. Observed: 1 heterozygote. Not counted in ClinVar's aggregate classification.
Comment: The c.1323+8G>A variant in the AMPD1 gene has not been previously reported in association with disease. The highest allele frequency of this variant was identified in the Latino/Admixed American population at 4,411/35,438 chromosomes (12.45%) by the Genome Aggregation Database. The c.1323+8G>A variant occurs in the 5’ splice site and computational tools do not predict an impact to splicing. However, the accuracy of these computational tools is limited. These data were assessed using the ACMG/AMP variant interpretation guidelines. In summary, the significance of the c.1323+8G>A variant is uncertain. Additional information is needed to resolve the significance of this variant. [ACMG evidence codes used: BP4]

Mayo Clinic Laboratories, Mayo Clinic
Classification: Benign. Last evaluated: 2017-10-25. Review status: no assertion criteria provided. Collection method: clinical testing. Allele origin: unknown. Not counted in ClinVar's aggregate classification.

NM_000036.3(AMPD1):c.1224+8G>A

Gene: AMPD1 (adenosine monophosphate deaminase 1; minus strand). Cytogenetic location: 1p13.2.
Variant type: single nucleotide variant.
Coding change: c.1224+8G>A on transcript NM_000036.3 (MANE Select); 8 bases into the intron after coding-DNA position 1224, G replaced by A.
Molecular consequence: intron variant.
Genome position (GRCh38, 1-based): chr1:114,677,902, C>T on the plus strand (G>A on the coding strand, the complement: AMPD1 is on the minus strand). VCF-style: chr1-114677902-C-T. GRCh37 (hg19) VCF-style: chr1-115220523-C-T.
Other names: c.1212+8G>A (NM_001172626.2).
Identifiers: ClinVar variation 92331 (VCV000092331.20), dbSNP rs140176911, ClinGen allele CA145618.